The following is an entry in ClinVar:

ClinVar aggregate classification (germline): Pathogenic (1 of 4 stars; one submission).

Conditions:
Precocious puberty, central, 2 (CPPB2). Identifiers: Orphanet 759, MedGen C3809199, MONDO:0014137, OMIM 615346.

Submission:

Laboratorio de Genetica e Diagnostico Molecular, Hospital Israelita Albert Einstein
Classification: Pathogenic for Precocious puberty, central, 2. Last evaluated: 2023-01-09. Review status: criteria provided, single submitter. Criteria: ACMG Guidelines, 2015. Collection method: clinical testing. Allele origin: germline. Affected: yes. Observed: 1 variant allele.
Comment: ACMG classification criteria: PVS1 very strong, PS4 moderated, PM2 moderated

NM_005664.4(MKRN3):c.482del (p.Pro161fs)

Gene: MKRN3 (makorin ring finger protein 3; plus strand). Cytogenetic location: 15q11.2.
Variant type: Deletion.
Coding change: c.482del on transcript NM_005664.4 (MANE Select); coding-DNA position 482, one base deleted (C; older notation c.482delC).
Protein change: p.Pro161fs; shifts the reading frame from proline 161.
Molecular consequence: frameshift variant.
Genome position (GRCh38, 1-based): chr15:23,566,264, C deleted; the last of 7 consecutive C bases (chr15:23,566,258-23,566,264); deleting any one gives the same sequence. VCF-style (leftmost placement, unchanged base first): chr15-23566257-GC-G. GRCh37 (hg19) VCF-style: chr15-23811404-GC-G.
Other names: short protein forms P161fs.
Identifiers: ClinVar variation 2431610 (VCV002431610.1), dbSNP rs763195944, ClinGen allele CA489239304.
Genomic context (GRCh38, chr15:23,566,257, plus strand): 5'-GCAGGTGGAGGCCCTAGCACGGCTGCGCACATCGAGCCCCCGACTCAGGAAGTGGCGGAA[GC>G]CCCCCCGGCTGCATCCTCCCTTTCCTTGCCTGTGATTGGCTCGGCTGCTGAAAGGGGTTT-3'